The following is an entry in ClinVar:

ClinVar aggregate classification (germline): Conflicting classifications of pathogenicity. Review status: criteria provided, conflicting classifications (1 of 4 stars). 5 submissions from 5 submitters: Uncertain significance (3); Likely benign (2). Last evaluated 2025-04-26.

Conditions:
CRYM-related disorder. Also called: CRYM-related condition.
Autosomal dominant nonsyndromic hearing loss 40. Also called: Deafness, autosomal dominant 40. Identifiers: Orphanet 90635, MedGen C4084708, MONDO:0014603, OMIM 616357.

Allele frequency attached by ClinVar (database versions not stated): TOPMed 0.00007; gnomAD 0.00013; gnomAD exomes 0.00013; ESP Exome Variant Server 0.00015; 1000 Genomes Project 30x 0.00016; ExAC 0.00017; 1000 Genomes Project 0.00020.
gnomAD v4.1: 200 of 1,553,162 alleles (0.013%); highest among the groups gnomAD compares: South Asian, 0.1%; 2 homozygotes.

Submissions (5):

PreventionGenetics, part of Exact Sciences
Classification: Likely benign for CRYM-related condition. Last evaluated: 2025-04-26. Review status: criteria provided, single submitter. Criteria: ACMG Guidelines, 2015. Collection method: clinical testing. Allele origin: germline.
Comment: This variant is classified as likely benign based on ACMG/AMP sequence variant interpretation guidelines (Richards et al. 2015 PMID: 25741868, with internal and published modifications).

Ambry Genetics
Classification: Uncertain significance. Last evaluated: 2024-10-08. Review status: criteria provided, single submitter. Criteria: Ambry Variant Classification Scheme 2023. Collection method: clinical testing. Allele origin: germline.

Labcorp Genetics (formerly Invitae), Labcorp
Classification: Uncertain significance. Last evaluated: 2023-04-04. Review status: criteria provided, single submitter. Criteria: Invitae Variant Classification Sherloc (09022015). Collection method: clinical testing. Allele origin: germline.
Comment: ClinVar contains an entry for this variant (Variation ID: 2144479). This sequence change replaces isoleucine, which is neutral and non-polar, with valine, which is neutral and non-polar, at codon 141 of the CRYM protein (p.Ile141Val). This variant is present in population databases (rs141595341, gnomAD 0.1%), and has an allele count higher than expected for a pathogenic variant. This variant has not been reported in the literature in individuals affected with CRYM-related conditions. Advanced modeling of protein sequence and biophysical properties (such as structural, functional, and spatial information, amino acid conservation, physicochemical variation, residue mobility, and thermodynamic stability) performed at Invitae indicates that this missense variant is not expected to disrupt CRYM protein function. In summary, the available evidence is currently insufficient to determine the role of this variant in disease. Therefore, it has been classified as a Variant of Uncertain Significance.

Blueprint Genetics
Classification: Likely benign. Last evaluated: 2022-08-31. Review status: criteria provided, single submitter. Criteria: ACMG Guidelines, 2015. Collection method: clinical testing. Allele origin: germline.

Revvity Omics, Revvity
Classification: Uncertain significance for Autosomal dominant nonsyndromic hearing loss 40. Last evaluated: 2019-05-23. Review status: criteria provided, single submitter. Criteria: ACMG Guidelines, 2015. Collection method: clinical testing. Allele origin: germline.

NM_001376256.1(CRYM):c.421A>G (p.Ile141Val)

Gene: CRYM (crystallin mu; minus strand). Cytogenetic location: 16p12.2.
Variant type: single nucleotide variant.
Coding change: c.421A>G on transcript NM_001376256.1 (MANE Select); coding-DNA position 421, A replaced by G.
Protein change: p.Ile141Val; replaces isoleucine 141 with valine.
Molecular consequence: missense variant.
Genome position (GRCh38, 1-based): chr16:21,269,858, T>C on the plus strand (A>G on the coding strand, the complement: CRYM is on the minus strand). VCF-style: chr16-21269858-T-C. GRCh37 (hg19) VCF-style: chr16-21281179-T-C.
Other names: c.421A>G (NM_001888.3, NM_001888.4); c.421A>G, p.Ile141Val (NM_001888.5); short protein forms I141V.
Identifiers: ClinVar variation 2144479 (VCV002144479.11), dbSNP rs141595341, ClinGen allele CA7950733.